The following is an entry in ClinVar:

ClinVar aggregate classification (germline): Likely pathogenic (1 of 4 stars; one submission).

Submission:

CeGaT Center for Human Genetics Tuebingen
Classification: Likely pathogenic. Last evaluated: 2025-11-01. Review status: criteria provided, single submitter. Criteria: CeGaT Center For Human Genetics Tuebingen Variant Classification Criteria Version 2. Collection method: clinical testing. Allele origin: germline. Affected: yes. Observed: 1 variant allele.
Comment: GRN: PVS1:Strong, PM2, PS4:Moderate

NM_002087.4(GRN):c.264+2T>C

Gene: GRN (granulin precursor; plus strand). Cytogenetic location: 17q21.31.
Variant type: single nucleotide variant.
Coding change: c.264+2T>C on transcript NM_002087.4 (MANE Select); the canonical splice donor site of the intron after coding-DNA position 264, T replaced by C.
Molecular consequence: splice donor variant.
Genome position (GRCh38, 1-based): chr17:44,349,553, T>C. VCF-style: chr17-44349553-T-C. GRCh37 (hg19) VCF-style: chr17-42426921-T-C.
Identifiers: ClinVar variation 4533744 (VCV004533744.6).